The following is an entry in ClinVar:

NM_002585.4(PBX1):c.676C>T (p.Leu226=)

Gene: PBX1 (PBX homeobox 1; plus strand). Cytogenetic location: 1q23.3.
Variant type: single nucleotide variant.
Coding change: c.676C>T on transcript NM_002585.4 (MANE Select); coding-DNA position 676, C replaced by T.
Protein change: p.Leu226=; no amino-acid change (leucine 226 retained).
Molecular consequence: synonymous variant.
Genome position (GRCh38, 1-based): chr1:164,799,864, C>T. VCF-style: chr1-164799864-C-T. GRCh37 (hg19) VCF-style: chr1-164769101-C-T.
Other names: c.676C>T, p.Leu226= (NM_001204961.2, NM_001204963.2, NM_001353131.2); c.427C>T, p.Leu143= (NM_001353130.1); c.676C>T (NM_002585.3).
Identifiers: ClinVar variation 4920150 (VCV004920150.2).
Genomic context (GRCh38, chr1:164,799,864, plus strand): 5'-CGCAAGTTCAGCTCCATCCAGATGCAGCTCAAGCAGAGCACGTGCGAGGCGGTGATGATC[C>T]TGCGTTCCCGATTTCTGGATGCGCGGTGAGTCTCCCATGGGGCTGTCCTGCCCTCTCTGG-3'
Protein context (NP_002576.1, residues 216-236): KQSTCEAVMI[Leu226=]RSRFLDARRK

ClinVar aggregate classification (germline): Likely benign. Review status: criteria provided, multiple submitters, no conflicts (2 of 4 stars). 2 submissions from 2 submitters: Likely benign (2). Last evaluated 2026-04-20.

Conditions:
PBX1-related disorder. Also called: PBX1-related condition.

Submissions (2):

PreventionGenetics, part of Exact Sciences
Classification: Likely benign for PBX1-related condition. Last evaluated: 2026-04-20. Review status: criteria provided, single submitter. Criteria: ACMG Guidelines, 2015. Collection method: clinical testing. Allele origin: germline.
Comment: This variant is classified as likely benign based on ACMG/AMP sequence variant interpretation guidelines (Richards et al. 2015 PMID: 25741868, with internal and published modifications).

Blueprint Genetics
Classification: Likely benign. Last evaluated: 2024-09-13. Review status: criteria provided, single submitter. Criteria: ACMG Guidelines, 2015. Collection method: clinical testing. Allele origin: germline.